The following is an entry in ClinVar:

NM_001378454.1(ALMS1):c.8195T>C (p.Val2732Ala)

Gene: ALMS1 (ALMS1 centrosome and basal body associated protein; plus strand). Cytogenetic location: 2p13.1.
Variant type: single nucleotide variant.
Coding change: c.8195T>C on transcript NM_001378454.1 (MANE Select); coding-DNA position 8195, T replaced by C.
Protein change: p.Val2732Ala; replaces valine 2732 with alanine.
Molecular consequence: missense variant.
Genome position (GRCh38, 1-based): chr2:73,490,154, T>C. VCF-style: chr2-73490154-T-C. GRCh37 (hg19) VCF-style: chr2-73717281-T-C.
Other names: c.8198T>C, p.Val2733Ala (NM_015120.4); short protein forms V2733A, V2732A.
Identifiers: ClinVar variation 551442 (VCV000551442.6), dbSNP rs200859630, ClinGen allele CA1714423.

ClinVar aggregate classification (germline): Conflicting classifications of pathogenicity. Review status: criteria provided, conflicting classifications (1 of 4 stars). 3 submissions from 3 submitters: Uncertain significance (1); Benign (1). 1 of the submissions does not count toward it. Last evaluated 2025-01-06.

Conditions:
Cardiovascular phenotype. Identifiers: MedGen CN230736.
Alstrom syndrome (ALMS). Identifiers: Orphanet 64, MedGen C0268425, MONDO:0008763, OMIM 203800.

Allele frequency attached by ClinVar (database versions not stated): gnomAD 0.00001 and 0.00002; gnomAD exomes 0.00001 and 0.00004; ExAC 0.00003; TOPMed 0.00003; 1000 Genomes Project 30x 0.00016; 1000 Genomes Project 0.00020.
gnomAD v4.1: 22 of 1,614,168 alleles (0.0014%); highest among the groups gnomAD compares: East Asian, 0.047%; no homozygotes.

Submissions (3):

Labcorp Genetics (formerly Invitae), Labcorp
Classification: Uncertain significance for Alstrom syndrome. Last evaluated: 2025-01-06. Review status: criteria provided, single submitter. Criteria: Invitae Variant Classification Sherloc (09022015). Collection method: clinical testing. Allele origin: germline.
Comment: This sequence change replaces valine, which is neutral and non-polar, with alanine, which is neutral and non-polar, at codon 2733 of the ALMS1 protein (p.Val2733Ala). This variant is present in population databases (rs200859630, gnomAD 0.06%). This variant has not been reported in the literature in individuals affected with ALMS1-related conditions. ClinVar contains an entry for this variant (Variation ID: 551442). Experimental studies and prediction algorithms are not available or were not evaluated, and the functional significance of this variant is currently unknown. In summary, the available evidence is currently insufficient to determine the role of this variant in disease. Therefore, it has been classified as a Variant of Uncertain Significance.

Ambry Genetics
Classification: Benign for Cardiovascular phenotype. Last evaluated: 2024-09-12. Review status: criteria provided, single submitter. Criteria: Ambry Variant Classification Scheme 2023. Collection method: clinical testing. Allele origin: germline.

Counsyl
Classification: Uncertain significance for Alstrom syndrome. Last evaluated: 2017-04-10. Review status: no assertion criteria provided. Collection method: clinical testing. Allele origin: unknown. Not counted in ClinVar's aggregate classification.